The following is an entry in ClinVar:

ClinVar aggregate classification (germline): Uncertain significance (1 of 4 stars; one submission).

Submission:

Labcorp Genetics (formerly Invitae), Labcorp
Classification: Uncertain significance. Last evaluated: 2026-01-19. Review status: criteria provided, single submitter. Criteria: Invitae Variant Classification Sherloc (09022015). Collection method: clinical testing. Allele origin: germline.
Comment: This sequence change replaces isoleucine, which is neutral and non-polar, with valine, which is neutral and non-polar, at codon 2501 of the ACAN protein (p.Ile2501Val). This variant is not present in population databases (gnomAD no frequency). This variant has not been reported in the literature in individuals affected with ACAN-related conditions. An algorithm developed to predict the effect of missense changes on protein structure and function outputs the following: PolyPhen-2: "Benign". The valine amino acid residue is found in multiple mammalian species, which suggests that this missense change does not adversely affect protein function. In summary, the available evidence is currently insufficient to determine the role of this variant in disease. Therefore, it has been classified as a Variant of Uncertain Significance.

NM_001369268.1(ACAN):c.7615A>G (p.Ile2539Val)

Gene: ACAN (aggrecan; plus strand). Cytogenetic location: 15q26.1.
Variant type: single nucleotide variant.
Coding change: c.7615A>G on transcript NM_001369268.1 (MANE Select); coding-DNA position 7615, A replaced by G.
Protein change: p.Ile2539Val; replaces isoleucine 2539 with valine.
Molecular consequence: missense variant. On other transcripts: intron variant (1).
Genome position (GRCh38, 1-based): chr15:88,874,009, A>G. VCF-style: chr15-88874009-A-G. GRCh37 (hg19) VCF-style: chr15-89417240-A-G.
Other names: c.7387A>G, p.Ile2463Val (NM_001411096.1); c.7501A>G, p.Ile2501Val (NM_001411097.1, NM_013227.4); c.7220-396A>G (NM_001135.4); short protein forms I2463V, I2501V, I2539V.
Identifiers: ClinVar variation 4702222 (VCV004702222.1).